The following is an entry in ClinVar:

ClinVar aggregate classification (germline): Uncertain significance (1 of 4 stars; one submission).

Conditions:
Cohen syndrome (COH1). Also called: PEPPER SYNDROME; Cutis verticis gyrata, retinitis pigmentosa, and sensorineural deafness. Identifiers: Orphanet 193, MedGen C0265223, MONDO:0008999, OMIM 216550.

Submission:

Labcorp Genetics (formerly Invitae), Labcorp
Classification: Uncertain significance for Cohen syndrome. Last evaluated: 2024-01-15. Review status: criteria provided, single submitter. Criteria: Invitae Variant Classification Sherloc (09022015). Collection method: clinical testing. Allele origin: germline.
Comment: This sequence change replaces alanine, which is neutral and non-polar, with glycine, which is neutral and non-polar, at codon 3025 of the VPS13B protein (p.Ala3025Gly). This variant is not present in population databases (gnomAD no frequency). This variant has not been reported in the literature in individuals affected with VPS13B-related conditions. ClinVar contains an entry for this variant (Variation ID: 1714041). Advanced modeling of protein sequence and biophysical properties (such as structural, functional, and spatial information, amino acid conservation, physicochemical variation, residue mobility, and thermodynamic stability) performed at Invitae indicates that this missense variant is expected to disrupt VPS13B protein function with a positive predictive value of 80%. In summary, the available evidence is currently insufficient to determine the role of this variant in disease. Therefore, it has been classified as a Variant of Uncertain Significance.

NM_152564.5(VPS13B):c.8999C>G (p.Ala3000Gly)

Gene: VPS13B (vacuolar protein sorting 13 homolog B; plus strand). Cytogenetic location: 8q22.2.
Variant type: single nucleotide variant.
Coding change: c.8999C>G on transcript NM_152564.5 (MANE Select); coding-DNA position 8999, C replaced by G.
Protein change: p.Ala3000Gly; replaces alanine 3000 with glycine.
Molecular consequence: missense variant.
Genome position (GRCh38, 1-based): chr8:99,821,298, C>G. VCF-style: chr8-99821298-C-G. GRCh37 (hg19) VCF-style: chr8-100833526-C-G.
Other names: c.9074C>G, p.Ala3025Gly (NM_017890.5); short protein forms A3000G, A3025G.
Identifiers: ClinVar variation 1714041 (VCV001714041.5), dbSNP rs2492020283, ClinGen allele CA371777760.